The following is an entry in ClinVar:

ClinVar aggregate classification (germline): Uncertain significance. Review status: criteria provided, multiple submitters, no conflicts (2 of 4 stars). 2 submissions from 2 submitters: Uncertain significance (2). Last evaluated 2023-07-11.

Conditions:
Inborn genetic diseases. Identifiers: MedGen C0950123, MeSH D030342.
Cohen syndrome (COH1). Also called: PEPPER SYNDROME; Cutis verticis gyrata, retinitis pigmentosa, and sensorineural deafness. Identifiers: Orphanet 193, MedGen C0265223, MONDO:0008999, OMIM 216550.

Allele frequency attached by ClinVar (database versions not stated): gnomAD 0.00002 and 0.00003; gnomAD exomes 0.00002 and 0.00006; ExAC 0.00003; TOPMed 0.00003; ESP Exome Variant Server 0.00008; 1000 Genomes Project 0.00020; 1000 Genomes Project 30x 0.00094.
gnomAD v4.1: 28 of 1,614,164 alleles (0.0017%); highest among the groups gnomAD compares: East Asian, 0.047%; no homozygotes.

Submissions (2):

Ambry Genetics
Classification: Uncertain significance for Inborn genetic diseases. Last evaluated: 2023-07-11. Review status: criteria provided, single submitter. Criteria: Ambry Variant Classification Scheme 2023. Collection method: clinical testing. Allele origin: germline.

Labcorp Genetics (formerly Invitae), Labcorp
Classification: Uncertain significance for Cohen syndrome. Last evaluated: 2022-05-21. Review status: criteria provided, single submitter. Criteria: Invitae Variant Classification Sherloc (09022015). Collection method: clinical testing. Allele origin: germline.
Comment: This sequence change replaces isoleucine, which is neutral and non-polar, with threonine, which is neutral and polar, at codon 3331 of the VPS13B protein (p.Ile3331Thr). This variant is present in population databases (rs139575184, gnomAD 0.08%). This variant has not been reported in the literature in individuals affected with VPS13B-related conditions. Algorithms developed to predict the effect of missense changes on protein structure and function are either unavailable or do not agree on the potential impact of this missense change (SIFT: "Not Available"; PolyPhen-2: "Benign"; Align-GVGD: "Not Available"). In summary, the available evidence is currently insufficient to determine the role of this variant in disease. Therefore, it has been classified as a Variant of Uncertain Significance.

NM_152564.5(VPS13B):c.9917T>C (p.Ile3306Thr)

Gene: VPS13B (vacuolar protein sorting 13 homolog B; plus strand). Cytogenetic location: 8q22.2.
Variant type: single nucleotide variant.
Coding change: c.9917T>C on transcript NM_152564.5 (MANE Select); coding-DNA position 9917, T replaced by C.
Protein change: p.Ile3306Thr; replaces isoleucine 3306 with threonine.
Molecular consequence: missense variant.
Genome position (GRCh38, 1-based): chr8:99,835,713, T>C. VCF-style: chr8-99835713-T-C. GRCh37 (hg19) VCF-style: chr8-100847941-T-C.
Other names: c.9992T>C, p.Ile3331Thr (NM_017890.5); c.9992T>C (NM_017890.3); short protein forms I3331T, I3306T.
Identifiers: ClinVar variation 1396820 (VCV001396820.4), dbSNP rs139575184, ClinGen allele CA4824820.